The following is an entry in ClinVar:

NM_001005242.3(PKP2):c.1862C>T (p.Pro621Leu)

Gene: PKP2 (plakophilin 2; minus strand). Cytogenetic location: 12p11.21.
Variant type: single nucleotide variant.
Coding change: c.1862C>T on transcript NM_001005242.3 (MANE Select); coding-DNA position 1862, C replaced by T.
Protein change: p.Pro621Leu; replaces proline 621 with leucine.
Molecular consequence: missense variant.
Genome position (GRCh38, 1-based): chr12:32,821,507, G>A on the plus strand (C>T on the coding strand, the complement: PKP2 is on the minus strand). VCF-style: chr12-32821507-G-A. GRCh37 (hg19) VCF-style: chr12-32974441-G-A.
Other names: c.1994C>T, p.Pro665Leu (NM_004572.4); short protein forms P621L, P665L.
Identifiers: ClinVar variation 919558 (VCV000919558.8), dbSNP rs773061639, ClinGen allele CA384362321.

ClinVar aggregate classification (germline): Uncertain significance. Review status: criteria provided, multiple submitters, no conflicts (2 of 4 stars). 4 submissions from 4 submitters: Uncertain significance (4). Last evaluated 2025-01-31.

Conditions:
Cardiovascular phenotype. Identifiers: MedGen CN230736.
Arrhythmogenic right ventricular cardiomyopathy (ARVD). Also called: Arrhythmogenic cardiomyopathy; Cardiomyopathy, ARVC; Arrhythmogenic right ventricular dysplasia; Arrhythmogenic Right Ventricular Cardiomyopathy (ARVC). Identifiers: Orphanet 247, MedGen C0349788, MeSH D019571, MONDO:0016587. Disease mechanism: loss of function. Inheritance: Various modes of inheritance.
Cardiomyopathy (CMYO). Also called: Cardiomyopathies. Identifiers: Orphanet 167848, MedGen C0878544, MONDO:0004994, HP:0001638. Inheritance: Various modes of inheritance.

Allele frequency attached by ClinVar (database versions not stated): TOPMed 0.00001.
gnomAD v4.1: 17 of 1,613,794 alleles (0.0011%); highest among the groups gnomAD compares: Admixed American, 0.0017%; no homozygotes.

Submissions (4):

Ambry Genetics
Classification: Uncertain significance for Cardiovascular phenotype. Last evaluated: 2025-01-31. Review status: criteria provided, single submitter. Criteria: Ambry Variant Classification Scheme 2023. Collection method: clinical testing. Allele origin: germline.
Comment: The p.P665L variant (also known as c.1994C>T), located in coding exon 10 of the PKP2 gene, results from a C to T substitution at nucleotide position 1994. The proline at codon 665 is replaced by leucine, an amino acid with similar properties. This variant has been reported in a congenital heart disease cohort (Edwards JJ et al. JACC Basic Transl Sci, 2020 Apr;5:376-386). This amino acid position is well conserved in available vertebrate species. In addition, this alteration is predicted to be tolerated by in silico analysis. Based on the available evidence, the clinical significance of this variant remains unclear.

GeneDx
Classification: Uncertain significance. Last evaluated: 2023-10-12. Review status: criteria provided, single submitter. Criteria: GeneDx Variant Classification Process June 2021. Collection method: clinical testing. Allele origin: germline. Affected: yes.
Comment: Not observed at significant frequency in large population cohorts (gnomAD); In silico analysis supports that this missense variant has a deleterious effect on protein structure/function; This variant is associated with the following publications: (PMID: 32368696)

All of Us Research Program, National Institutes of Health
Classification: Uncertain significance for Arrhythmogenic right ventricular cardiomyopathy. Last evaluated: 2023-04-15. Review status: criteria provided, single submitter. Criteria: ACMG Guidelines, 2015. Collection method: clinical testing. Allele origin: germline. Inheritance: Autosomal dominant inheritance. Observed: 2 variant alleles, 2 heterozygotes.
Comment: This missense variant replaces proline with leucine at codon 665 of the PKP2 protein. Computational prediction tool suggests that this variant may not impact protein structure and function (internally defined REVEL score threshold <=0.5, PMID: 27666373). Splice site prediction tools suggest that this variant may not impact RNA splicing. To our knowledge, functional studies have not been performed for this variant. This variant has not been reported in individuals affected with cardiovascular disorders in the literature. This variant has been identified in 1/251342 chromosomes in the general population by the Genome Aggregation Database (gnomAD). The available evidence is insufficient to determine the role of this variant in disease conclusively. Therefore, this variant is classified as a Variant of Uncertain Significance.

This study involves interpretation of variants in research participants for the purpose of population health screening. Participant phenotype was not available at the time of variant classification. Additional details can be found in publication PMID: 35346344, PMCID: PMC8962531

Color Diagnostics, LLC DBA Color Health
Classification: Uncertain significance for Cardiomyopathy. Last evaluated: 2022-12-20. Review status: criteria provided, single submitter. Criteria: ACMG Guidelines, 2015. Collection method: clinical testing. Allele origin: germline.
Comment: This missense variant replaces proline with leucine at codon 665 of the PKP2 protein. Computational prediction suggests that this variant may not impact protein structure and function (internally defined REVEL score threshold <= 0.5, PMID: 27666373). To our knowledge, functional studies have not been reported for this variant. This variant has not been reported in individuals affected with PKP2-related disorders in the literature. This variant has been identified in 1/251342 chromosomes in the general population by the Genome Aggregation Database (gnomAD). The available evidence is insufficient to determine the role of this variant in disease conclusively. Therefore, this variant is classified as a Variant of Uncertain Significance.

Literature cited by the submitters: PubMed 32368696 (cited by Ambry Genetics).